The following is an entry in ClinVar:

ClinVar aggregate classification (germline): Conflicting classifications of pathogenicity. Review status: criteria provided, conflicting classifications (1 of 4 stars). 3 submissions from 3 submitters: Uncertain significance (2); Likely benign (1). Last evaluated 2026-01-25.

Conditions:
Inborn genetic diseases. Identifiers: MedGen C0950123, MeSH D030342.
LYST-related disorder. Also called: LYST-related condition.
Chédiak-Higashi syndrome (CHS). Also called: Chediak-Higashi Syndrome. Identifiers: Orphanet 167, MedGen C0007965, MONDO:0008963, OMIM 214500.

Allele frequency attached by ClinVar (database versions not stated): TOPMed 0.00001; gnomAD 0.00003; gnomAD exomes 0.00007; ExAC 0.00023.
gnomAD v4.1: 105 of 1,613,724 alleles (0.0065%); highest among the groups gnomAD compares: South Asian, 0.11%; 1 homozygote.

Submissions (3):

Labcorp Genetics (formerly Invitae), Labcorp
Classification: Likely benign for Chédiak-Higashi syndrome. Last evaluated: 2026-01-25. Review status: criteria provided, single submitter. Criteria: Invitae Variant Classification Sherloc (09022015). Collection method: clinical testing. Allele origin: germline.

PreventionGenetics, part of Exact Sciences
Classification: Uncertain significance for LYST-related condition. Last evaluated: 2025-04-28. Review status: criteria provided, single submitter. Criteria: ACMG Guidelines, 2015. Collection method: clinical testing. Allele origin: germline.
Comment: The LYST c.3059A>G variant is predicted to result in the amino acid substitution p.Glu1020Gly. To our knowledge, this variant has not been reported in the literature. This variant is reported in 0.13% of alleles in individuals of South Asian descent in gnomAD, which is likely too common to be an undocumented cause of disease. While we suspect this variant may be benign, at this time, the clinical significance of this variant is uncertain due to the absence of conclusive functional and genetic evidence.

Ambry Genetics
Classification: Uncertain significance for Inborn genetic diseases. Last evaluated: 2024-12-25. Review status: criteria provided, single submitter. Criteria: Ambry Variant Classification Scheme 2023. Collection method: clinical testing. Allele origin: germline.

NM_000081.4(LYST):c.3059A>G (p.Glu1020Gly)

Gene: LYST (lysosomal trafficking regulator; minus strand). Cytogenetic location: 1q42.3.
Variant type: single nucleotide variant.
Coding change: c.3059A>G on transcript NM_000081.4 (MANE Select); coding-DNA position 3059, A replaced by G.
Protein change: p.Glu1020Gly; replaces glutamic acid 1020 with glycine.
Molecular consequence: missense variant.
Genome position (GRCh38, 1-based): chr1:235,806,077, T>C on the plus strand (A>G on the coding strand, the complement: LYST is on the minus strand). VCF-style: chr1-235806077-T-C. GRCh37 (hg19) VCF-style: chr1-235969377-T-C.
Other names: c.3059A>G (NM_000081.2); c.3059A>G, p.Glu1020Gly (NM_001301365.1); short protein forms E1020G.
Identifiers: ClinVar variation 1937865 (VCV001937865.7), dbSNP rs771400826, ClinGen allele CA1467150.